The following is an entry in ClinVar:

NM_000535.7(PMS2):c.277_284dup (p.Ala96fs)

Gene: PMS2 (PMS1 homolog 2, mismatch repair system component; minus strand). Cytogenetic location: 7p22.1.
Variant type: Duplication.
Coding change: c.277_284dup on transcript NM_000535.7 (MANE Select); coding-DNA positions 277 to 284, 8 bases duplicated (CAAGAGTT; older notation c.277_284dupCAAGAGTT).
Protein change: p.Ala96fs; shifts the reading frame from alanine 96.
Molecular consequence: frameshift variant. On other transcripts: 5 prime UTR variant (35), non-coding transcript variant (1), intron variant (11).
Genome position (GRCh38, 1-based): chr7:6,003,759-6,003,766, AACTCTTG duplicated on the plus strand (CAAGAGTT on the coding strand, the reverse complement: PMS2 is on the minus strand); duplicating any 8 consecutive bases within chr7:6,003,759-6,003,768 gives the same sequence; the c. name uses the placement nearest the transcript's 3' end. VCF-style (leftmost placement, unchanged base first): chr7-6003758-A-AAACTCTTG. GRCh37 (hg19) VCF-style: chr7-6043389-A-AAACTCTTG.
Other names: c.277_284dupCAAGAGTT (NM_000535.5); c.-129_-122dup (NM_001322003.2, NM_001322004.2, NM_001322005.2 and 13 more transcripts); c.277_284dup, p.Ala96fs (NM_001322006.2, NM_001322014.2, NM_001406869.1 and 8 more transcripts); c.-608_-601dup (NM_001322011.2, NM_001322012.2); c.-208_-201dup (NM_001322015.2, NM_001406875.1, NM_001406877.1 and 3 more transcripts); c.463_470dup, p.Ala158fs (NM_001406866.1); c.301_308dup, p.Ala104fs (NM_001406868.1); c.-155_-148dup (NM_001406880.1); and 6 more; short protein forms A104fs, A158fs, A96fs.
Identifiers: ClinVar variation 3935143 (VCV003935143.1).

ClinVar aggregate classification (germline): Pathogenic (1 of 4 stars; one submission).

Conditions:
Hereditary cancer-predisposing syndrome. Also called: Tumor predisposition; Hereditary neoplastic syndrome; Hereditary Cancer Syndrome; Neoplastic Syndromes, Hereditary. Identifiers: Orphanet 140162, MedGen C0027672, MeSH D009386, MONDO:0015356.

Submission:

Ambry Genetics
Classification: Pathogenic for Hereditary cancer-predisposing syndrome. Last evaluated: 2025-05-26. Review status: criteria provided, single submitter. Criteria: Ambry Variant Classification Scheme 2023. Collection method: clinical testing. Allele origin: germline.
Comment: The c.277_284dupCAAGAGTT pathogenic mutation, located in coding exon 4 of the PMS2 gene, results from a duplication of CAAGAGTT at nucleotide position 277, causing a translational frameshift with a predicted alternate stop codon (p.A96Kfs*6). This variant is considered to be rare based on population cohorts in the Genome Aggregation Database (gnomAD). This alteration is expected to result in loss of function by premature protein truncation or nonsense-mediated mRNA decay. As such, this alteration is interpreted as a disease-causing mutation.